The following is an entry in ClinVar:

NM_001378454.1(ALMS1):c.892C>G (p.His298Asp)

Gene: ALMS1 (ALMS1 centrosome and basal body associated protein; plus strand). Cytogenetic location: 2p13.1.
Variant type: single nucleotide variant.
Coding change: c.892C>G on transcript NM_001378454.1 (MANE Select); coding-DNA position 892, C replaced by G.
Protein change: p.His298Asp; replaces histidine 298 with aspartic acid.
Molecular consequence: missense variant.
Genome position (GRCh38, 1-based): chr2:73,424,557, C>G. VCF-style: chr2-73424557-C-G. GRCh37 (hg19) VCF-style: chr2-73651685-C-G.
Other names: c.895C>G, p.His299Asp (NM_015120.4); short protein forms H298D, H299D.
Identifiers: ClinVar variation 3358180 (VCV003358180.1).

ClinVar aggregate classification (germline): Uncertain significance (0 of 4 stars; one submission).

Conditions:
ALMS1-related disorder. Also called: ALMS1-related condition.

Submission:

PreventionGenetics, part of Exact Sciences
Classification: Uncertain significance for ALMS1-related condition. Last evaluated: 2024-08-28. Review status: no assertion criteria provided. Collection method: clinical testing. Allele origin: germline.
Comment: The ALMS1 c.895C>G variant is predicted to result in the amino acid substitution p.Pro299Ala. To our knowledge, this variant has not been reported in the literature. This variant is reported in 0.0058% of alleles in individuals of Latino descent in gnomAD. At this time, the clinical significance of this variant is uncertain due to the absence of conclusive functional and genetic evidence.